The following is an entry in ClinVar:

NM_000433.4(NCF2):c.663A>G (p.Gln221=)

Gene: NCF2 (neutrophil cytosolic factor 2; minus strand). Cytogenetic location: 1q25.3.
Variant type: single nucleotide variant.
Coding change: c.663A>G on transcript NM_000433.4 (MANE Select); coding-DNA position 663, A replaced by G.
Protein change: p.Gln221=; no amino-acid change (glutamine 221 retained).
Molecular consequence: synonymous variant.
Genome position (GRCh38, 1-based): chr1:183,570,786, T>C on the plus strand (A>G on the coding strand, the complement: NCF2 is on the minus strand). VCF-style: chr1-183570786-T-C. GRCh37 (hg19) VCF-style: chr1-183539921-T-C.
Other names: c.663A>G, p.Gln221= (NM_001127651.3); c.420A>G, p.Gln140= (NM_001190789.2); c.528A>G, p.Gln176= (NM_001190794.2).
Identifiers: ClinVar variation 645860 (VCV000645860.11), dbSNP rs1288798553, ClinGen allele CA422283827.
Genomic context (GRCh38, chr1:183,570,786, plus strand): 5'-TTCACAGAAAGCTCTCGAGACCTAGGTCCATGGAGAAGGTCAGGACTGCCTTACCTGTGG[T>C]TGCAGAGGGGCAAACCCAGAGAAACTGTCTTGATCCACCACAGATGCCACGACCTAAAAT-3'
Protein context (NP_000424.2, residues 211-231): QDSFSGFAPL[Gln221=]PQAAEPPPRP

ClinVar aggregate classification (germline): Likely benign. Review status: criteria provided, multiple submitters, no conflicts (2 of 4 stars). 2 submissions from 2 submitters: Likely benign (2). Last evaluated 2026-06-01.

Conditions:
Granulomatous disease, chronic, autosomal recessive, cytochrome b-positive, type 2. Also called: GRANULOMATOUS DISEASE, CHRONIC, AUTOSOMAL RECESSIVE, 2; Chronic granulomatous disease due to deficiency of NCF-2; Chronic Granulomatous Disease, Autosomal Recessive, Cytochrome b-Positive, Type II; CGD, AUTOSOMAL RECESSIVE CYTOCHROME b-POSITIVE, TYPE II; GRANULOMATOUS DISEASE, CHRONIC, DUE TO NCF2 DEFICIENCY. Identifiers: Orphanet 379, MedGen C1856245, MONDO:0009310, OMIM 233710.

Allele frequency attached by ClinVar (database versions not stated): gnomAD exomes below 0.00001; TOPMed below 0.00001; gnomAD 0.00001.
gnomAD v4.1: 11 of 1,614,176 alleles (0.00068%); highest among the groups gnomAD compares: Middle Eastern, 0.066%; no homozygotes.

Submissions (2):

CeGaT Center for Human Genetics Tuebingen
Classification: Likely benign. Last evaluated: 2026-06-01. Review status: criteria provided, single submitter. Criteria: CeGaT Center For Human Genetics Tuebingen Variant Classification Criteria Version 2. Collection method: clinical testing. Allele origin: germline. Affected: yes. Observed: 1 variant allele.
Comment: NCF2: BP4, BP7

Labcorp Genetics (formerly Invitae), Labcorp
Classification: Likely benign for Granulomatous disease, chronic, autosomal recessive, cytochrome b-positive, type 2. Last evaluated: 2024-04-16. Review status: criteria provided, single submitter. Criteria: Invitae Variant Classification Sherloc (09022015). Collection method: clinical testing. Allele origin: germline.